The following is an entry in ClinVar:

NM_198859.4(PRICKLE2):c.445G>A (p.Ala149Thr)

Gene: PRICKLE2 (prickle planar cell polarity protein 2; minus strand). Cytogenetic location: 3p14.1.
Variant type: single nucleotide variant.
Coding change: c.445G>A on transcript NM_198859.4 (MANE Select); coding-DNA position 445, G replaced by A.
Protein change: p.Ala149Thr; replaces alanine 149 with threonine.
Molecular consequence: missense variant.
Genome position (GRCh38, 1-based): chr3:64,157,317, C>T on the plus strand (G>A on the coding strand, the complement: PRICKLE2 is on the minus strand). VCF-style: chr3-64157317-C-T. GRCh37 (hg19) VCF-style: chr3-64142993-C-T.
Other names: c.445G>A, p.Ala149Thr (NM_001370528.1); short protein forms A149T.
Identifiers: ClinVar variation 946781 (VCV000946781.7), dbSNP rs202025796, ClinGen allele CA2479814.

ClinVar aggregate classification (germline): Uncertain significance (1 of 4 stars; one submission).

Conditions:
Progressive myoclonic epilepsy type 5. Identifiers: Orphanet 402082, MedGen C5190799.

Allele frequency attached by ClinVar (database versions not stated): TOPMed 0.00002.
gnomAD v4.1: 15 of 1,613,810 alleles (0.00093%); highest among the groups gnomAD compares: Middle Eastern, 0.017%; no homozygotes.

Submission:

Labcorp Genetics (formerly Invitae), Labcorp
Classification: Uncertain significance for Progressive myoclonic epilepsy type 5. Last evaluated: 2025-09-21. Review status: criteria provided, single submitter. Criteria: Invitae Variant Classification Sherloc (09022015). Collection method: clinical testing. Allele origin: germline.
Comment: This sequence change replaces alanine, which is neutral and non-polar, with threonine, which is neutral and polar, at codon 149 of the PRICKLE2 protein (p.Ala149Thr). This variant is present in population databases (rs202025796, gnomAD 0.006%). This variant has not been reported in the literature in individuals affected with PRICKLE2-related conditions. ClinVar contains an entry for this variant (Variation ID: 946781). Invitae Evidence Modeling of protein sequence and biophysical properties (such as structural, functional, and spatial information, amino acid conservation, physicochemical variation, residue mobility, and thermodynamic stability) indicates that this missense variant is expected to disrupt PRICKLE2 protein function with a positive predictive value of 80%. In summary, the available evidence is currently insufficient to determine the role of this variant in disease. Therefore, it has been classified as a Variant of Uncertain Significance.